The following is an entry in ClinVar:

ClinVar aggregate classification (germline): Uncertain significance. Review status: criteria provided, multiple submitters, no conflicts (2 of 4 stars). 2 submissions from 2 submitters: Uncertain significance (2). Last evaluated 2025-11-24.

Conditions:
Inborn genetic diseases. Identifiers: MedGen C0950123, MeSH D030342.
Joubert syndrome. Also called: CEREBELLOPARENCHYMAL DISORDER IV; JOUBERT-BOLTSHAUSER SYNDROME; Familial aplasia of the vermis. Identifiers: Orphanet 475, MedGen C5979921, MONDO:0018772.

Submissions (2):

Ambry Genetics
Classification: Uncertain significance for Inborn genetic diseases. Last evaluated: 2025-11-24. Review status: criteria provided, single submitter. Criteria: Ambry Variant Classification Scheme 2023. Collection method: clinical testing. Allele origin: germline.

Labcorp Genetics (formerly Invitae), Labcorp
Classification: Uncertain significance for Joubert syndrome. Last evaluated: 2022-06-25. Review status: criteria provided, single submitter. Criteria: Invitae Variant Classification Sherloc (09022015). Collection method: clinical testing. Allele origin: germline.
Comment: This sequence change replaces glutamine, which is neutral and polar, with glutamic acid, which is acidic and polar, at codon 739 of the AHI1 protein (p.Gln739Glu). This variant is not present in population databases (gnomAD no frequency). This variant has not been reported in the literature in individuals affected with AHI1-related conditions. Advanced modeling of protein sequence and biophysical properties (such as structural, functional, and spatial information, amino acid conservation, physicochemical variation, residue mobility, and thermodynamic stability) performed at Invitae indicates that this missense variant is not expected to disrupt AHI1 protein function. In summary, the available evidence is currently insufficient to determine the role of this variant in disease. Therefore, it has been classified as a Variant of Uncertain Significance.

NM_001134831.2(AHI1):c.2215C>G (p.Gln739Glu)

Gene: AHI1 (Abelson helper integration site 1; minus strand). Cytogenetic location: 6q23.3.
Variant type: single nucleotide variant.
Coding change: c.2215C>G on transcript NM_001134831.2 (MANE Select); coding-DNA position 2215, C replaced by G.
Protein change: p.Gln739Glu; replaces glutamine 739 with glutamic acid.
Molecular consequence: missense variant.
Genome position (GRCh38, 1-based): chr6:135,433,078, G>C on the plus strand (C>G on the coding strand, the complement: AHI1 is on the minus strand). VCF-style: chr6-135433078-G-C. GRCh37 (hg19) VCF-style: chr6-135754216-G-C.
Other names: c.2215C>G, p.Gln739Glu (NM_001134830.2, NM_001134832.2, NM_001350503.2 and 2 more transcripts); c.2215C>G (NM_017651.4); short protein forms Q739E.
Identifiers: ClinVar variation 2022237 (VCV002022237.2), dbSNP rs781671997, ClinGen allele CA365743467.